The following is an entry in ClinVar:

NM_032861.4(SERAC1):c.1420A>G (p.Arg474Gly)

Gene: SERAC1 (serine active site containing 1; minus strand). Cytogenetic location: 6q25.3.
Variant type: single nucleotide variant.
Coding change: c.1420A>G on transcript NM_032861.4 (MANE Select); coding-DNA position 1420, A replaced by G.
Protein change: p.Arg474Gly; replaces arginine 474 with glycine.
Molecular consequence: missense variant. On other transcripts: non-coding transcript variant (1).
Genome position (GRCh38, 1-based): chr6:158,116,266, T>C on the plus strand (A>G on the coding strand, the complement: SERAC1 is on the minus strand). VCF-style: chr6-158116266-T-C. GRCh37 (hg19) VCF-style: chr6-158537298-T-C.
Other names: short protein forms R474G.
Identifiers: ClinVar variation 3363284 (VCV003363284.1).

ClinVar aggregate classification (germline): Uncertain significance (1 of 4 stars; one submission).

gnomAD v4.1: 1 of 1,614,064 alleles (0.000062%); highest among the groups gnomAD compares: Non-Finnish European, 0.000085%; no homozygotes.

Submission:

GeneDx
Classification: Uncertain significance. Last evaluated: 2023-10-27. Review status: criteria provided, single submitter. Criteria: GeneDx Variant Classification Process June 2021. Collection method: clinical testing. Allele origin: germline. Affected: yes.
Comment: Not observed at significant frequency in large population cohorts (gnomAD); In silico analysis supports that this missense variant has a deleterious effect on protein structure/function; Has not been previously published as pathogenic or benign to our knowledge